The following is an entry in ClinVar:

ClinVar aggregate classification (germline): Uncertain significance. Review status: criteria provided, multiple submitters, no conflicts (2 of 4 stars). 2 submissions from 2 submitters: Uncertain significance (2). Last evaluated 2024-06-23.

Conditions:
Hereditary cancer-predisposing syndrome. Also called: Neoplastic Syndromes, Hereditary; Tumor predisposition; Hereditary neoplastic syndrome; Hereditary Cancer Syndrome. Identifiers: Orphanet 140162, MedGen C0027672, MeSH D009386, MONDO:0015356.
Parathyroid carcinoma (PRTC). Also called: CDC73-Related Parathyroid Carcinoma; Parathyroid gland carcinoma. Identifiers: Orphanet 143, MedGen C0687150, MONDO:0012004, OMIM 608266, HP:0006780.

Submissions (2):

Ambry Genetics
Classification: Uncertain significance for Hereditary cancer-predisposing syndrome. Last evaluated: 2024-06-23. Review status: criteria provided, single submitter. Criteria: Ambry Variant Classification Scheme 2023. Collection method: clinical testing. Allele origin: germline.
Comment: The p.V230I variant (also known as c.688G>A), located in coding exon 7 of the CDC73 gene, results from a G to A substitution at nucleotide position 688. The valine at codon 230 is replaced by isoleucine, an amino acid with highly similar properties. This amino acid position is conserved. In addition, this alteration is predicted to be tolerated by in silico analysis. Based on the available evidence, the clinical significance of this variant remains unclear.

Labcorp Genetics (formerly Invitae), Labcorp
Classification: Uncertain significance for Parathyroid carcinoma. Last evaluated: 2022-09-25. Review status: criteria provided, single submitter. Criteria: Invitae Variant Classification Sherloc (09022015). Collection method: clinical testing. Allele origin: germline.
Comment: This variant has not been reported in the literature in individuals affected with CDC73-related conditions. ClinVar contains an entry for this variant (Variation ID: 1366361). Advanced modeling of protein sequence and biophysical properties (such as structural, functional, and spatial information, amino acid conservation, physicochemical variation, residue mobility, and thermodynamic stability) performed at Invitae indicates that this missense variant is not expected to disrupt CDC73 protein function. In summary, the available evidence is currently insufficient to determine the role of this variant in disease. Therefore, it has been classified as a Variant of Uncertain Significance. This variant is not present in population databases (gnomAD no frequency). This sequence change replaces valine, which is neutral and non-polar, with isoleucine, which is neutral and non-polar, at codon 230 of the CDC73 protein (p.Val230Ile).

NM_024529.5(CDC73):c.688G>A (p.Val230Ile)

Gene: CDC73 (cell division cycle 73; plus strand). Cytogenetic location: 1q31.2.
Variant type: single nucleotide variant.
Coding change: c.688G>A on transcript NM_024529.5 (MANE Select); coding-DNA position 688, G replaced by A.
Protein change: p.Val230Ile; replaces valine 230 with isoleucine.
Molecular consequence: missense variant.
Genome position (GRCh38, 1-based): chr1:193,142,025, G>A. VCF-style: chr1-193142025-G-A. GRCh37 (hg19) VCF-style: chr1-193111155-G-A.
Other names: c.688G>A (NM_024529.4); short protein forms V230I.
Identifiers: ClinVar variation 1366361 (VCV001366361.9), dbSNP rs2103126383, ClinGen allele CA343962767.